The following is an entry in ClinVar:

NM_001353345.2(SETD1B):c.22dup (p.His8fs)

Gene: SETD1B (SET domain containing 1B, histone lysine methyltransferase; plus strand). Cytogenetic location: 12q24.31.
Variant type: Duplication.
Coding change: c.22dup on transcript NM_001353345.2 (MANE Select); coding-DNA position 22, one base duplicated (C; older notation c.22dupC).
Protein change: p.His8fs; shifts the reading frame from histidine 8.
Molecular consequence: frameshift variant.
Genome position (GRCh38, 1-based): chr12:121,804,759, C duplicated; the last of 8 consecutive C bases (chr12:121,804,752-121,804,759); duplicating any one gives the same sequence. VCF-style (leftmost placement, unchanged base first): chr12-121804751-A-AC. GRCh37 (hg19) VCF-style: chr12-122242657-A-AC.
Other names: NM_015048.1:c.22dupC; c.22dupC (NM_001353345.2); short protein forms H8fs.
Identifiers: ClinVar variation 2236999 (VCV002236999.13), dbSNP rs777278685, ClinGen allele CA6838725.

ClinVar aggregate classification (germline): Pathogenic/Likely pathogenic. Review status: criteria provided, multiple submitters, no conflicts (2 of 4 stars). 9 submissions from 9 submitters: Pathogenic (7); Likely pathogenic (1). 1 of the submissions does not count toward it. Last evaluated 2026-08-06.
ClinVar aggregate classification (oncogenicity): Likely oncogenic (1 of 4 stars; one submission).

Conditions:
Intellectual developmental disorder with seizures and language delay (IDDSELD). Identifiers: MedGen C5436574, MONDO:0033559, OMIM 619000.
Neurodevelopmental disorder. Identifiers: MedGen C1535926, MeSH D065886, MONDO:0700092.
Inborn genetic diseases. Identifiers: MedGen C0950123, MeSH D030342.
Neoplasm. Also called: Neoplasms; Neoplasm (disease); tumor. Identifiers: MedGen C0027651, MeSH D009369, MONDO:0005070, HP:0002664.

Submissions (10):

OLLIN Analises Genomicas, OLLIN
Classification: Likely pathogenic for Intellectual developmental disorder with seizures and language delay. Last evaluated: 2026-08-06. Review status: criteria provided, single submitter. Criteria: ACMG Guidelines 2015 PMID 25741868. Collection method: clinical testing. Allele origin: de novo. Inheritance: Autosomal dominant inheritance.
Comment: This frameshift variant, located in exon 2 (of 17), has been reported in ClinVar (accession VCV002236999.12), in gnomAD with an allele frequency of 0.0056%, and in the scientific literature, also being identified de novo, in individuals with SETD1B related disorders (PMID: 34345025). This variant causes a frameshift and introduces a premature stop codon, which is predicted to result in either a truncated protein or degradation of the mRNA via nonsense-mediated decay (NMD). According to the currently available evidence, this variant has been classified as likely pathogenic (PVS1_VS, PS2_P).

Center for Genomic Medicine, Rigshospitalet, Copenhagen University Hospital
Classification: Likely oncogenic for Neoplasm. Last evaluated: 2025-03-04. Review status: criteria provided, single submitter. Criteria: ClinGen/CGC/VICC Guidelines for Oncogenicity, 2022. Collection method: clinical testing. Allele origin: somatic. Affected: yes.

3billion
Classification: Pathogenic for Intellectual developmental disorder with seizures and language delay. Last evaluated: 2024-11-08. Review status: criteria provided, single submitter. Criteria: ACMG Guidelines, 2015. Collection method: clinical testing. Allele origin: germline. Affected: yes.
Comment: The variant is observed in the gnomAD v4.1.0 dataset (total allele frequency: 0.006%). However, the reliability of the frequency is dubious as the variant is located in an error-prone region. Predicted Consequence/Location: Frameshift: predicted to result in a loss or disruption of normal protein function through nonsense-mediated decay (NMD) or protein truncation. Multiple pathogenic variants are reported downstream of the variant. The variant has been reported at least twice as pathogenic with clinical assertions and evidence for the classification (ClinVar ID: VCV002236999 /PMID: 34345025). Therefore, this variant is classified as Pathogenic according to the recommendation of ACMG/AMP guideline.

Victorian Clinical Genetics Services, Murdoch Childrens Research Institute
Classification: Pathogenic for Intellectual developmental disorder with seizures and language delay. Last evaluated: 2024-10-08. Review status: criteria provided, single submitter. Criteria: ACMG Guidelines, 2015. Collection method: clinical testing. Allele origin: germline. Inheritance: Autosomal dominant inheritance. Affected: yes.
Comment: Based on the classification scheme VCGS_Germline_v1.3.4, this variant is classified as Pathogenic. Following criteria are met: 0102 - Loss of function is a known mechanism of disease in this gene and is associated with intellectual developmental disorder with seizures and language delay (MIM#619000). (I) 0107 - This gene is associated with autosomal dominant disease. (I) 0201 - Variant is predicted to cause nonsense-mediated decay (NMD) and loss of protein (premature termination codon is located at least 54 nucleotides upstream of the final exon-exon junction). (SP) 0251 - This variant is heterozygous. (I) 0302 - Variant is present in gnomAD (v3) <0.001 for a dominant condition (1 heterozygotes, 0 homozygotes). (SP) 0701 - Many other NMD-predicted variants comparable to the one identified in this case have very strong previous evidence for pathogenicity (DECIPHER). (SP) 0801 - This variant has strong previous evidence of pathogenicity in unrelated individuals. This variant has been classified as pathogenic or likely pathogenic by multiple clinical laboratories in ClinVar, and has been observed in heterozygous de novo individuals with SETD1B-related symptoms (PMID: 34345025). (SP) Legend: (SP) - Supporting pathogenic, (I) - Information, (SB) - Supporting benign

Institute of Human Genetics, FAU Erlangen, Friedrich-Alexander-Universität Erlangen-Nürnberg
Classification: Pathogenic for Intellectual developmental disorder with seizures and language delay. Last evaluated: 2024-03-20. Review status: criteria provided, single submitter. Criteria: Hauer et al. (Genet Med. 2018). Collection method: clinical testing. Allele origin: germline. Inheritance: Autosomal dominant inheritance. Affected: yes. Observed: 1 variant allele.
Comment: This variant has been identified by standard clinical testing. Selected ACMG criteria: Pathogenic (I):PP5;PS2;PVS1

Institute of Human Genetics, University of Leipzig Medical Center
Classification: Pathogenic for Intellectual developmental disorder with seizures and language delay. Last evaluated: 2024-02-29. Review status: criteria provided, single submitter. Criteria: ACMG Guidelines, 2015. Collection method: clinical testing. Allele origin: de novo. Inheritance: Autosomal dominant inheritance. Affected: yes.
Comment: Criteria applied: PVS1,PS2,PS4_MOD

Ambry Genetics
Classification: Pathogenic for Inborn genetic diseases. Last evaluated: 2024-01-08. Review status: criteria provided, single submitter. Criteria: Ambry Variant Classification Scheme 2023. Collection method: clinical testing. Allele origin: germline.
Comment: The c.22dupC (p.H8Pfs*30) alteration, located in exon 1 (coding exon 1) of the SETD1B gene, consists of a duplication of C at position 22, causing a translational frameshift with a predicted alternate stop codon after 30 amino acids. This alteration is expected to result in loss of function by premature protein truncation or nonsense-mediated mRNA decay. This variant was not reported in population-based cohorts in the Genome Aggregation Database (gnomAD). This variant has been determined to be the result of a de novo mutation in two individuals with features consistent with SETD1B-related neurodevelopmental disorder (Weerts, 2021). Based on the available evidence, this alteration is classified as pathogenic.

Women's Health and Genetics/Laboratory Corporation of America, LabCorp
Classification: Pathogenic for Intellectual developmental disorder with seizures and language delay. Last evaluated: 2023-09-15. Review status: criteria provided, single submitter. Criteria: LabCorp Variant Classification Summary - May 2015. Collection method: clinical testing. Allele origin: germline.
Comment: Variant summary: SETD1B c.22dupC (p.His8ProfsX30) results in a premature termination codon, predicted to cause a truncation of the encoded protein or absence of the protein due to nonsense mediated decay, which are commonly known mechanisms for disease. The variant allele was found at a frequency of 9.5e-05 in 136830 control chromosomes, however, this finding should be interpretted with caution as metrics indicate poor quality at this region in the gnomAD database, suggesting this data is unreliable. c.22dupC has been reported in the literature in the heterozygous state in two unrelated individuals affected with Intellectual Developmental Disorder With Seizures And Language Delay, where in both cases it was found to be de novo (Weerts_2021). These data indicate that the variant is very likely associated with disease. To our knowledge, no experimental evidence demonstrating an impact on protein function has been reported. The following publication has been ascertained in the context of this evaluation (PMID: 34345025). One submitter has cited a clinical-significance assessment for this variant to ClinVar after 2014 and has classified the variant as likely pathogenic. Based on the evidence outlined above, the variant was classified as pathogenic.

Laboratory of Molecular Genetics (Pr. Bezieau's lab), CHU de Nantes
Classification: Pathogenic for Neurodevelopmental disorder. Last evaluated: 2023-05-17. Review status: criteria provided, single submitter. Criteria: ACMG Guidelines, 2015. Collection method: clinical testing. Allele origin: germline. Affected: yes.

Solve-RD Consortium
Classification: Likely pathogenic for Intellectual developmental disorder with seizures and language delay. Last evaluated: 2022-06-01. Review status: no assertion criteria provided. Collection method: provider interpretation. Allele origin: inherited. Affected: yes. Not counted in ClinVar's aggregate classification.
Comment: Variant confirmed as disease-causing by referring clinical team

Variant identified during reanalysis of unsolved cases by the Solve-RD project. The Solve-RD project has received funding from the European Union’s Horizon 2020 research and innovation programme under grant agreement No 779257.

Literature cited by the submitters: PubMed 34345025 (cited by 6 submitters); PubMed 25954003 (cited by Ambry Genetics); PubMed 27618451 (cited by Ambry Genetics); PubMed 28490743 (cited by Ambry Genetics); PubMed 39825153 (cited by Solve-RD Consortium).